The following is an entry in ClinVar:

NM_003072.5(SMARCA4):c.4342G>A (p.Ala1448Thr)

Gene: SMARCA4 (SWI/SNF related BAF chromatin remodeling complex subunit ATPase 4; plus strand). Cytogenetic location: 19p13.2.
Variant type: single nucleotide variant.
Coding change: c.4342G>A on transcript NM_003072.5 (MANE Select); coding-DNA position 4342, G replaced by A.
Protein change: p.Ala1448Thr; replaces alanine 1448 with threonine.
Molecular consequence: missense variant. On other transcripts: non-coding transcript variant (1).
Genome position (GRCh38, 1-based): chr19:11,041,478, G>A. VCF-style: chr19-11041478-G-A. GRCh37 (hg19) VCF-style: chr19-11152154-G-A.
Other names: c.4342G>A, p.Ala1448Thr (NM_001128844.3); c.4252G>A, p.Ala1418Thr (NM_001128845.2, NM_001128846.2); c.4243G>A, p.Ala1415Thr (NM_001128847.4, NM_001128848.2, NM_001374457.1); c.4438G>A, p.Ala1480Thr (NM_001128849.3, NM_001387283.1); short protein forms A1480T, A1448T, A1415T, A1418T.
Identifiers: ClinVar variation 486491 (VCV000486491.15), dbSNP rs761338885, ClinGen allele CA9204708.

ClinVar aggregate classification (germline): Uncertain significance. Review status: criteria provided, multiple submitters, no conflicts (2 of 4 stars). 3 submissions from 3 submitters: Uncertain significance (3). Last evaluated 2021-07-15.

Conditions:
Intellectual disability, autosomal dominant 16 (CSS4). Also called: COFFIN-SIRIS SYNDROME 4. Identifiers: Orphanet 1465, MedGen C3553249, MONDO:0013821, OMIM 614609.
Hereditary cancer-predisposing syndrome. Also called: Tumor predisposition; Hereditary Cancer Syndrome; Hereditary neoplastic syndrome; Neoplastic Syndromes, Hereditary. Identifiers: Orphanet 140162, MedGen C0027672, MeSH D009386, MONDO:0015356.
Rhabdoid tumor predisposition syndrome 2 (RTPS2). Identifiers: Orphanet 231108, Orphanet 69077, MedGen C2750074, MONDO:0013224, OMIM 613325.

Allele frequency attached by ClinVar (database versions not stated): gnomAD exomes below 0.00001; ExAC 0.00001.
gnomAD v4.1: 2 of 1,613,646 alleles (0.00012%); highest among the groups gnomAD compares: Non-Finnish European, 0.00017%; no homozygotes.

Submissions (3):

Genome-Nilou Lab
Classification: Uncertain significance for Intellectual disability, autosomal dominant 16. Last evaluated: 2021-07-15. Review status: criteria provided, single submitter. Criteria: ACMG Guidelines, 2015. Collection method: clinical testing. Allele origin: germline. Affected: no.

Labcorp Genetics (formerly Invitae), Labcorp
Classification: Uncertain significance for Rhabdoid tumor predisposition syndrome 2. Last evaluated: 2017-08-10. Review status: criteria provided, single submitter. Criteria: Invitae Variant Classification Sherloc (09022015). Collection method: clinical testing. Allele origin: germline.
Comment: In summary, the available evidence is currently insufficient to determine the role of this variant in disease. Therefore, it has been classified as a Variant of Uncertain Significance. Algorithms developed to predict the effect of missense changes on protein structure and function do not agree on the potential impact of this missense change (SIFT: "Deleterious"; PolyPhen-2: "Possibly Damaging"; Align-GVGD: "Class C0"). This variant has not been reported in the literature in individuals with SMARCA4-related disease. This variant is present in population databases (rs761338885, ExAC 0.002%). This sequence change replaces alanine with threonine at codon 1480 of the SMARCA4 protein (p.Ala1480Thr). The alanine residue is highly conserved and there is a small physicochemical difference between alanine and threonine.

Ambry Genetics
Classification: Uncertain significance for Hereditary cancer-predisposing syndrome. Last evaluated: 2017-06-14. Review status: criteria provided, single submitter. Criteria: Ambry Variant Classification Scheme 2023. Collection method: clinical testing. Allele origin: germline.
Comment: The p.A1480T variant (also known as c.4438G>A), located in coding exon 30 of the SMARCA4 gene, results from a G to A substitution at nucleotide position 4438. The alanine at codon 1480 is replaced by threonine, an amino acid with similar properties. This amino acid position is highly conserved in available vertebrate species. In addition, this alteration is predicted to be tolerated by in silico analysis. Since supporting evidence is limited at this time, the clinical significance of this alteration remains unclear.